The following is an entry in ClinVar:

ClinVar aggregate classification (germline): Uncertain significance. Review status: criteria provided, multiple submitters, no conflicts (2 of 4 stars). 2 submissions from 2 submitters: Uncertain significance (2). Last evaluated 2025-07-20.

Conditions:
Hereditary cancer-predisposing syndrome. Also called: Tumor predisposition; Neoplastic Syndromes, Hereditary; Hereditary Cancer Syndrome; Hereditary neoplastic syndrome. Identifiers: Orphanet 140162, MedGen C0027672, MeSH D009386, MONDO:0015356.
Tuberous sclerosis 2 (TSC2). Identifiers: Orphanet 805, MedGen C1860707, MONDO:0013199, OMIM 613254.

Submissions (2):

Labcorp Genetics (formerly Invitae), Labcorp
Classification: Uncertain significance for Tuberous sclerosis 2. Last evaluated: 2025-07-20. Review status: criteria provided, single submitter. Criteria: Invitae Variant Classification Sherloc (09022015). Collection method: clinical testing. Allele origin: germline.
Comment: This sequence change replaces serine, which is neutral and polar, with asparagine, which is neutral and polar, at codon 1097 of the TSC2 protein (p.Ser1097Asn). This variant is not present in population databases (gnomAD no frequency). This variant has not been reported in the literature in individuals affected with TSC2-related conditions. ClinVar contains an entry for this variant (Variation ID: 405946). Invitae Evidence Modeling of protein sequence and biophysical properties (such as structural, functional, and spatial information, amino acid conservation, physicochemical variation, residue mobility, and thermodynamic stability) indicates that this missense variant is not expected to disrupt TSC2 protein function with a negative predictive value of 95%. In summary, the available evidence is currently insufficient to determine the role of this variant in disease. Therefore, it has been classified as a Variant of Uncertain Significance.

Ambry Genetics
Classification: Uncertain significance for Hereditary cancer-predisposing syndrome. Last evaluated: 2022-07-25. Review status: criteria provided, single submitter. Criteria: Ambry Variant Classification Scheme 2023. Collection method: clinical testing. Allele origin: germline.
Comment: The p.S1097N variant (also known as c.3290G>A), located in coding exon 28 of the TSC2 gene, results from a G to A substitution at nucleotide position 3290. The serine at codon 1097 is replaced by asparagine, an amino acid with highly similar properties. This amino acid position is poorly conserved in available vertebrate species. In addition, this alteration is predicted to be tolerated by in silico analysis. Since supporting evidence is limited at this time, the clinical significance of this alteration remains unclear.

NM_000548.5(TSC2):c.3290G>A (p.Ser1097Asn)

Gene: TSC2 (TSC complex subunit 2; plus strand). Cytogenetic location: 16p13.3.
Variant type: single nucleotide variant.
Coding change: c.3290G>A on transcript NM_000548.5 (MANE Select); coding-DNA position 3290, G replaced by A.
Protein change: p.Ser1097Asn; replaces serine 1097 with asparagine.
Molecular consequence: missense variant.
Genome position (GRCh38, 1-based): chr16:2,079,562, G>A. VCF-style: chr16-2079562-G-A. GRCh37 (hg19) VCF-style: chr16-2129563-G-A.
Other names: c.3158G>A, p.Ser1053Asn (NM_001077183.3, NM_001370404.1); c.3290G>A, p.Ser1097Asn (NM_001114382.3); c.3050G>A, p.Ser1017Asn (NM_001318827.2); c.3014G>A, p.Ser1005Asn (NM_001318829.2); c.2558G>A, p.Ser853Asn (NM_001318831.2); c.3191G>A, p.Ser1064Asn (NM_001318832.2); c.3161G>A, p.Ser1054Asn (NM_001363528.2, NM_001370405.1, NM_021055.3); short protein forms S1097N, S1054N, S1053N, S1017N, S853N, S1005N, S1064N.
Identifiers: ClinVar variation 405946 (VCV000405946.9), dbSNP rs1060500912, ClinGen allele CA16614709.